The following is an entry in ClinVar:

NM_001080449.3(DNA2):c.258-79T>A

Gene: DNA2 (DNA replication helicase/nuclease 2; minus strand). Cytogenetic location: 10q21.3.
Variant type: single nucleotide variant.
Coding change: c.258-79T>A on transcript NM_001080449.3 (MANE Select); 79 bases into the intron before coding-DNA position 258, T replaced by A.
Molecular consequence: intron variant.
Genome position (GRCh38, 1-based): chr10:68,468,385, A>T on the plus strand (T>A on the coding strand, the complement: DNA2 is on the minus strand). VCF-style: chr10-68468385-A-T. GRCh37 (hg19) VCF-style: chr10-70228142-A-T.
Identifiers: ClinVar variation 676735 (VCV000676735.1), dbSNP rs74632734, ClinGen allele CA208187669.

ClinVar aggregate classification (germline): Benign (1 of 4 stars; one submission).

Allele frequency attached by ClinVar (database versions not stated): gnomAD exomes 0.00248; gnomAD 0.02469 and 0.02640; 1000 Genomes Project 0.02776; 1000 Genomes Project 30x 0.02889; TOPMed 0.02897.
gnomAD v4.1: 5,784 of 926,572 alleles (0.62%); highest among the groups gnomAD compares: African/African-American, 8.8%; 231 homozygotes.

Submission:

GeneDx
Classification: Benign. Last evaluated: 2018-06-19. Review status: criteria provided, single submitter. Criteria: GeneDx Variant Classification (06012015). Collection method: clinical testing. Allele origin: germline. Affected: yes.
Comment: This variant is considered likely benign or benign based on one or more of the following criteria: it is a conservative change, it occurs at a poorly conserved position in the protein, it is predicted to be benign by multiple in silico algorithms, and/or has population frequency not consistent with disease.